The following is an entry in ClinVar:

NM_001082486.2(ACD):c.808C>A (p.Pro270Thr)

Gene: ACD (ACD shelterin complex subunit and telomerase recruitment factor; minus strand). Cytogenetic location: 16q22.1.
Variant type: single nucleotide variant.
Coding change: c.808C>A on transcript NM_001082486.2 (MANE Select); coding-DNA position 808, C replaced by A.
Protein change: p.Pro270Thr; replaces proline 270 with threonine.
Molecular consequence: missense variant.
Genome position (GRCh38, 1-based): chr16:67,658,576, G>T on the plus strand (C>A on the coding strand, the complement: ACD is on the minus strand). VCF-style: chr16-67658576-G-T. GRCh37 (hg19) VCF-style: chr16-67692479-G-T.
Other names: c.799C>A, p.Pro267Thr (NM_022914.3); short protein forms P267T, P270T.
Identifiers: ClinVar variation 1781836 (VCV001781836.2), dbSNP rs776932197, ClinGen allele CA8114525.
Genomic context (GRCh38, chr16:67,658,576, plus strand): 5'-AGGCGGCAGTGAGTGCCTGTGACCTGTGCATCACCTCACCTGAGGAACTGGGTGAGGAAG[G>T]AGGAGAGGCTATGAGGGTCAGAGATAGGTCCTGCAGAGCCGGGTCTGGTGGGGGCAGCTC-3'
Protein context (NP_001075955.2, residues 260-280): DLSLTLIASP[Pro270Thr]SSPSSSGTPA

ClinVar aggregate classification (germline): Uncertain significance (1 of 4 stars; one submission).

Conditions:
Inborn genetic diseases. Identifiers: MedGen C0950123, MeSH D030342.

Allele frequency attached by ClinVar (database versions not stated): TOPMed below 0.00001; ExAC 0.00001.
gnomAD v4.1: 1 of 1,570,954 alleles (0.000064%); highest among the groups gnomAD compares: African/African-American, 0.0014%; no homozygotes.

Submission:

Ambry Genetics
Classification: Uncertain significance for Inborn genetic diseases. Last evaluated: 2022-07-08. Review status: criteria provided, single submitter. Criteria: Ambry Variant Classification Scheme 2023. Collection method: clinical testing. Allele origin: germline.
Comment: The p.P356T variant (also known as c.1066C>A), located in coding exon 9 of the ACD gene, results from a C to A substitution at nucleotide position 1066. The proline at codon 356 is replaced by threonine, an amino acid with highly similar properties. This amino acid position is conserved. In addition, this alteration is predicted to be tolerated by in silico analysis. Since supporting evidence is limited at this time, the clinical significance of this alteration remains unclear.